The following is an entry in ClinVar:

NM_024857.5(ATAD5):c.5456+7G>C

Gene: ATAD5 (ATPase family AAA domain containing 5; plus strand). Cytogenetic location: 17q11.2.
Variant type: single nucleotide variant.
Coding change: c.5456+7G>C on transcript NM_024857.5 (MANE Select); 7 bases into the intron after coding-DNA position 5456, G replaced by C.
Molecular consequence: intron variant.
Genome position (GRCh38, 1-based): chr17:30,894,729, G>C. VCF-style: chr17-30894729-G-C. GRCh37 (hg19) VCF-style: chr17-29221747-G-C.
Identifiers: ClinVar variation 3042183 (VCV003042183.2), dbSNP rs191864047, ClinGen allele CA8484456.
Genomic context (GRCh38, chr17:30,894,729, plus strand): 5'-TCGAAACATCTGTAAGACTGAGAAGCTAAAAGAACAAGGAAAAAGTAAAAGAAGGTAAAG[G>C]CTTTATTAAAAACAACATTTTAGATAGCTTTTTCAAGATTAATACATATTTTCATAAGAT-3'

ClinVar aggregate classification (germline): Benign (0 of 4 stars; one submission).

Conditions:
ATAD5-related disorder. Also called: ATAD5-related condition.

Allele frequency attached by ClinVar (database versions not stated): 1000 Genomes Project 0.00060; 1000 Genomes Project 30x 0.00062; ESP Exome Variant Server 0.00062.
gnomAD v4.1: 1,307 of 1,591,928 alleles (0.082%); highest among the groups gnomAD compares: Middle Eastern, 0.46%; 7 homozygotes.

Submission:

PreventionGenetics, part of Exact Sciences
Classification: Benign for ATAD5-related condition. Last evaluated: 2019-06-10. Review status: no assertion criteria provided. Collection method: clinical testing. Allele origin: germline.
Comment: This variant is classified as benign based on ACMG/AMP sequence variant interpretation guidelines (Richards et al. 2015 PMID: 25741868, with internal and published modifications).